The following is an entry in ClinVar:

NM_005076.5(CNTN2):c.479A>T (p.His160Leu)

Gene: CNTN2 (contactin 2; plus strand). Cytogenetic location: 1q32.1.
Variant type: single nucleotide variant.
Coding change: c.479A>T on transcript NM_005076.5 (MANE Select); coding-DNA position 479, A replaced by T.
Protein change: p.His160Leu; replaces histidine 160 with leucine.
Molecular consequence: missense variant. On other transcripts: non-coding transcript variant (1).
Genome position (GRCh38, 1-based): chr1:205,058,655, A>T. VCF-style: chr1-205058655-A-T. GRCh37 (hg19) VCF-style: chr1-205027783-A-T.
Other names: c.479A>T, p.His160Leu (NM_001346083.2); short protein forms H160L.
Identifiers: ClinVar variation 1427132 (VCV001427132.8), dbSNP rs1327945426, ClinGen allele CA344406188.

ClinVar aggregate classification (germline): Uncertain significance (1 of 4 stars; one submission).

Conditions:
Epilepsy, familial adult myoclonic, 5 (EPEO5). Also called: CORTICAL MYOCLONIC TREMOR WITH EPILEPSY, FAMILIAL, 5. Identifiers: Orphanet 86814, MedGen C3809374, MONDO:0014167, OMIM 615400.

gnomAD v4.1: 10 of 1,613,778 alleles (0.00062%); highest among the groups gnomAD compares: Non-Finnish European, 0.00085%; no homozygotes.

Submission:

Labcorp Genetics (formerly Invitae), Labcorp
Classification: Uncertain significance for Epilepsy, familial adult myoclonic, 5. Last evaluated: 2021-05-11. Review status: criteria provided, single submitter. Criteria: Invitae Variant Classification Sherloc (09022015). Collection method: clinical testing. Allele origin: germline.
Comment: This variant has not been reported in the literature in individuals with CNTN2-related conditions. In summary, the available evidence is currently insufficient to determine the role of this variant in disease. Therefore, it has been classified as a Variant of Uncertain Significance. Advanced modeling of protein sequence and biophysical properties (such as structural, functional, and spatial information, amino acid conservation, physicochemical variation, residue mobility, and thermodynamic stability) performed at Invitae indicates that this missense variant is expected to disrupt CNTN2 protein function. This variant is not present in population databases (ExAC no frequency). This sequence change replaces histidine with leucine at codon 160 of the CNTN2 protein (p.His160Leu). The histidine residue is highly conserved and there is a moderate physicochemical difference between histidine and leucine.